The following is an entry in ClinVar:

NM_005732.4(RAD50):c.3590T>C (p.Met1197Thr)

Genes: TH2LCRR (T helper type 2 locus control region associated RNA; minus strand), RAD50 (RAD50 double strand break repair protein; plus strand), TH2-LCR (Th2 cytokine locus control region; plus strand). Cytogenetic location: 5q31.1.
Variant type: single nucleotide variant.
Coding change: c.3590T>C on transcript NM_005732.4 (MANE Select); coding-DNA position 3590, T replaced by C.
Protein change: p.Met1197Thr; replaces methionine 1197 with threonine.
Molecular consequence: missense variant. On other transcripts: non-coding transcript variant (3).
Genome position (GRCh38, 1-based): chr5:132,638,195, T>C. VCF-style: chr5-132638195-T-C. GRCh37 (hg19) VCF-style: chr5-131973887-T-C.
Other names: short protein forms M1197T.
Identifiers: ClinVar variation 232315 (VCV000232315.14), dbSNP rs751641472, ClinGen allele CA10578608.

ClinVar aggregate classification (germline): Uncertain significance. Review status: criteria provided, multiple submitters, no conflicts (2 of 4 stars). 3 submissions from 3 submitters: Uncertain significance (3). Last evaluated 2024-11-11.

Conditions:
Hereditary cancer-predisposing syndrome. Also called: Neoplastic Syndromes, Hereditary; Hereditary Cancer Syndrome; Tumor predisposition; Hereditary neoplastic syndrome. Identifiers: Orphanet 140162, MedGen C0027672, MeSH D009386, MONDO:0015356.

Submissions (3):

Blueprint Genetics
Classification: Uncertain significance. Last evaluated: 2024-11-11. Review status: criteria provided, single submitter. Criteria: ACMG Guidelines, 2015. Collection method: clinical testing. Allele origin: germline.

Labcorp Genetics (formerly Invitae), Labcorp
Classification: Uncertain significance for Hereditary cancer-predisposing syndrome. Last evaluated: 2024-05-20. Review status: criteria provided, single submitter. Criteria: Invitae Variant Classification Sherloc (09022015). Collection method: clinical testing. Allele origin: germline.
Comment: This sequence change replaces methionine, which is neutral and non-polar, with threonine, which is neutral and polar, at codon 1197 of the RAD50 protein (p.Met1197Thr). This variant is not present in population databases (gnomAD no frequency). This variant has not been reported in the literature in individuals affected with RAD50-related conditions. ClinVar contains an entry for this variant (Variation ID: 232315). Advanced modeling of protein sequence and biophysical properties (such as structural, functional, and spatial information, amino acid conservation, physicochemical variation, residue mobility, and thermodynamic stability) performed at Invitae indicates that this missense variant is expected to disrupt RAD50 protein function with a positive predictive value of 80%. In summary, the available evidence is currently insufficient to determine the role of this variant in disease. Therefore, it has been classified as a Variant of Uncertain Significance.

Ambry Genetics
Classification: Uncertain significance for Hereditary cancer-predisposing syndrome. Last evaluated: 2019-05-15. Review status: criteria provided, single submitter. Criteria: Ambry Variant Classification Scheme 2023. Collection method: clinical testing. Allele origin: germline.
Comment: The p.M1197T variant (also known as c.3590T>C), located in coding exon 23 of the RAD50 gene, results from a T to C substitution at nucleotide position 3590. The methionine at codon 1197 is replaced by threonine, an amino acid with similar properties. This amino acid position is highly conserved in available vertebrate species. In addition, the in silico prediction for this alteration is inconclusive. Since supporting evidence is limited at this time, the clinical significance of this alteration remains unclear.